The following is an entry in ClinVar:

ClinVar aggregate classification (germline): Uncertain significance (1 of 4 stars; one submission).

Conditions:
Cohen-Gibson syndrome (COGIS). Also called: EED-Related Overgrowth. Identifiers: Orphanet 659396, MedGen C4479654, MONDO:0060510, OMIM 617561.

Submission:

3billion
Classification: Uncertain significance for Cohen-Gibson syndrome. Last evaluated: 2024-08-23. Review status: criteria provided, single submitter. Criteria: ACMG Guidelines, 2015. Collection method: clinical testing. Allele origin: germline. Affected: yes.
Comment: The variant is not observed in the gnomAD v4.0.0 dataset. Predicted Consequence/Location: Missense changes are a common disease-causing mechanism. In silico tool predictions suggest damaging effect of the variant on gene or gene product [0.82 (>=0.6, sensitivity 0.72 and precision 0.9)]. Therefore, this variant is classified as VUS according to the recommendation of ACMG/AMP guideline.

NM_003797.5(EED):c.955A>T (p.Ile319Leu)

Gene: EED (embryonic ectoderm development; plus strand). Cytogenetic location: 11q14.2.
Variant type: single nucleotide variant.
Coding change: c.955A>T on transcript NM_003797.5 (MANE Select); coding-DNA position 955, A replaced by T.
Protein change: p.Ile319Leu; replaces isoleucine 319 with leucine.
Molecular consequence: missense variant. On other transcripts: intron variant (1).
Genome position (GRCh38, 1-based): chr11:86,268,550, A>T. VCF-style: chr11-86268550-A-T. GRCh37 (hg19) VCF-style: chr11-85979592-A-T.
Other names: c.955A>T, p.Ile319Leu (NM_001308007.2); c.726+4287A>T (NM_001330334.2); short protein forms I319L.
Identifiers: ClinVar variation 4072281 (VCV004072281.1).